The following is an entry in ClinVar:

ClinVar aggregate classification (germline): Likely benign (0 of 4 stars; one submission).

Conditions:
KCNS3-related disorder. Also called: KCNS3-related condition.

Allele frequency attached by ClinVar (database versions not stated): gnomAD exomes 0.00012; ExAC 0.00037; ESP Exome Variant Server 0.00077; gnomAD 0.00127; TOPMed 0.00138; 1000 Genomes Project 30x 0.00219; 1000 Genomes Project 0.00220.
gnomAD v4.1: 364 of 1,614,164 alleles (0.023%); highest among the groups gnomAD compares: African/African-American, 0.41%; no homozygotes.

Submission:

PreventionGenetics, part of Exact Sciences
Classification: Likely benign for KCNS3-related condition. Last evaluated: 2022-06-06. Review status: no assertion criteria provided. Collection method: clinical testing. Allele origin: germline.
Comment: This variant is classified as likely benign based on ACMG/AMP sequence variant interpretation guidelines (Richards et al. 2015 PMID: 25741868, with internal and published modifications).

NM_002252.5(KCNS3):c.362A>G (p.Tyr121Cys)

Gene: KCNS3 (potassium voltage-gated channel modifier subfamily S member 3; plus strand). Cytogenetic location: 2p24.2.
Variant type: single nucleotide variant.
Coding change: c.362A>G on transcript NM_002252.5 (MANE Select); coding-DNA position 362, A replaced by G.
Protein change: p.Tyr121Cys; replaces tyrosine 121 with cysteine.
Molecular consequence: missense variant.
Genome position (GRCh38, 1-based): chr2:17,931,370, A>G. VCF-style: chr2-17931370-A-G. GRCh37 (hg19) VCF-style: chr2-18112637-A-G.
Other names: c.362A>G, p.Tyr121Cys (NM_001282428.2); short protein forms Y121C.
Identifiers: ClinVar variation 3055142 (VCV003055142.2), dbSNP rs147163003, ClinGen allele CA1541245.